The following is an entry in ClinVar:

ClinVar aggregate classification (germline): Pathogenic (1 of 4 stars; one submission).

Conditions:
Parathyroid carcinoma (PRTC). Also called: CDC73-Related Parathyroid Carcinoma; Parathyroid gland carcinoma. Identifiers: Orphanet 143, MedGen C0687150, MONDO:0012004, OMIM 608266, HP:0006780.

Submission:

Labcorp Genetics (formerly Invitae), Labcorp
Classification: Pathogenic for Parathyroid carcinoma. Last evaluated: 2019-11-29. Review status: criteria provided, single submitter. Criteria: Invitae Variant Classification Sherloc (09022015). Collection method: clinical testing. Allele origin: germline.
Comment: For these reasons, this variant has been classified as Pathogenic. Loss-of-function variants in CDC73 are known to be pathogenic (PMID: 12434154). This variant has not been reported in the literature in individuals with CDC73-related conditions. This variant is not present in population databases (ExAC no frequency). This sequence change creates a premature translational stop signal (p.Thr334Metfs*29) in the CDC73 gene. It is expected to result in an absent or disrupted protein product.

Literature cited by the submitters: PubMed 12434154.

NM_024529.5(CDC73):c.1001_1004del (p.Thr334fs)

Gene: CDC73 (cell division cycle 73; plus strand). Cytogenetic location: 1q31.2.
Variant type: Deletion.
Coding change: c.1001_1004del on transcript NM_024529.5 (MANE Select); coding-DNA positions 1001 to 1004, 4 bases deleted (CTCC; older notation c.1001_1004delCTCC).
Protein change: p.Thr334fs; shifts the reading frame from threonine 334.
Molecular consequence: frameshift variant.
Genome position (GRCh38, 1-based): chr1:193,203,823-193,203,826, CTCC deleted. VCF-style (leftmost placement, unchanged base first): chr1-193203822-ACTCC-A. GRCh37 (hg19) VCF-style: chr1-193172952-ACTCC-A.
Other names: short protein forms T334fs.
Identifiers: ClinVar variation 844763 (VCV000844763.8), dbSNP rs1677132309, ClinGen allele CA916081294.